The following is an entry in ClinVar:

ClinVar aggregate classification (germline): Conflicting classifications of pathogenicity. Review status: criteria provided, conflicting classifications (1 of 4 stars). 2 submissions from 2 submitters: Uncertain significance (1); Likely benign (1). Last evaluated 2024-03-28.

Conditions:
Neurofibromatosis, type 1 (NF1). Also called: Peripheral type neurofibromatosis; Neurofibromatosis, type I; VON RECKLINGHAUSEN DISEASE; NEUROFIBROMATOSIS, TYPE I, SOMATIC. Identifiers: Orphanet 636, MedGen C0027831, MONDO:0018975, OMIM 162200. Disease mechanism: loss of function.
Cardiovascular phenotype. Identifiers: MedGen CN230736.
Hereditary cancer-predisposing syndrome. Also called: Hereditary neoplastic syndrome; Tumor predisposition; Neoplastic Syndromes, Hereditary; Hereditary Cancer Syndrome. Identifiers: Orphanet 140162, MedGen C0027672, MeSH D009386, MONDO:0015356.

Allele frequency attached by ClinVar (database versions not stated): gnomAD exomes below 0.00001.
gnomAD v4.1: 1 of 1,612,958 alleles (0.000062%); highest among the groups gnomAD compares: Non-Finnish European, 0.000085%; no homozygotes.

Submissions (2):

Labcorp Genetics (formerly Invitae), Labcorp
Classification: Uncertain significance for Neurofibromatosis, type 1. Last evaluated: 2024-03-28. Review status: criteria provided, single submitter. Criteria: Invitae Variant Classification Sherloc (09022015). Collection method: clinical testing. Allele origin: germline.
Comment: This sequence change affects codon 597 of the NF1 mRNA. It is a 'silent' change, meaning that it does not change the encoded amino acid sequence of the NF1 protein. This variant is not present in population databases (gnomAD no frequency). This variant has not been reported in the literature in individuals affected with NF1-related conditions. ClinVar contains an entry for this variant (Variation ID: 2452285). Algorithms developed to predict the effect of sequence changes on RNA splicing suggest that this variant may disrupt the consensus splice site. In summary, the available evidence is currently insufficient to determine the role of this variant in disease. Therefore, it has been classified as a Variant of Uncertain Significance.

Ambry Genetics
Classification: Likely benign for Cardiovascular phenotype; Hereditary cancer-predisposing syndrome. Last evaluated: 2023-01-18. Review status: criteria provided, single submitter. Criteria: Ambry Variant Classification Scheme 2023. Collection method: clinical testing. Allele origin: germline.

NM_001042492.3(NF1):c.1791C>T (p.Leu597=)

Gene: NF1 (neurofibromin 1; plus strand). Cytogenetic location: 17q11.2.
Variant type: single nucleotide variant.
Coding change: c.1791C>T on transcript NM_001042492.3 (MANE Select); coding-DNA position 1791, C replaced by T.
Protein change: p.Leu597=; no amino-acid change (leucine 597 retained).
Molecular consequence: synonymous variant.
Genome position (GRCh38, 1-based): chr17:31,223,513, C>T. VCF-style: chr17-31223513-C-T. GRCh37 (hg19) VCF-style: chr17-29550531-C-T.
Other names: c.1791C>T, p.Leu597= (NM_000267.4).
Identifiers: ClinVar variation 2452285 (VCV002452285.5), dbSNP rs1597708736, ClinGen allele CA499229860.